The following is an entry in ClinVar:

NM_001267550.2(TTN):c.31255C>T (p.Pro10419Ser)

Gene: TTN (titin; minus strand). Cytogenetic location: 2q31.2.
Variant type: single nucleotide variant.
Coding change: c.31255C>T on transcript NM_001267550.2 (MANE Select); coding-DNA position 31255, C replaced by T.
Protein change: p.Pro10419Ser; replaces proline 10419 with serine.
Molecular consequence: missense variant. On other transcripts: intron variant (3).
Genome position (GRCh38, 1-based): chr2:178,695,363, G>A on the plus strand (C>T on the coding strand, the complement: TTN is on the minus strand). VCF-style: chr2-178695363-G-A. GRCh37 (hg19) VCF-style: chr2-179560090-G-A.
Other names: c.27523C>T, p.Pro9175Ser (NM_133378.4); c.30304C>T, p.Pro10102Ser (NM_001256850.1); c.13282+42719C>T (NM_003319.4); c.13858+42719C>T (NM_133437.4); c.13657+42719C>T (NM_133432.3); short protein forms P10419S, P9175S, P10102S.
Identifiers: ClinVar variation 46847 (VCV000046847.6), dbSNP rs397517537, ClinGen allele CA139349.
Genomic context (GRCh38, chr2:178,695,363, plus strand): 5'-ATGATGTTGATGCTCTAGTCTATTTAAATATTTCTAATTACTTACCTTTAGGAGGTGGTG[G>A]TGCTTTCTTTTCAGGTACTTTGGCTGGAACTTTTCTCTCATGTGATTCTGAAATAAAAAC-3'
Protein context (NP_001254479.2, residues 10409-10429): VPAKVPEKKA[Pro10419Ser]PPPKVIKKPV

ClinVar aggregate classification (germline): Uncertain significance. Review status: criteria provided, multiple submitters, no conflicts (2 of 4 stars). 2 submissions from 2 submitters: Uncertain significance (2). Last evaluated 2021-08-17.

Conditions:
Hypertrophic cardiomyopathy 9. Also called: Familial hypertrophic cardiomyopathy 9. Identifiers: MedGen C1861065, MONDO:0013412, OMIM 613765.
Tibial muscular dystrophy (TMD). Also called: Tibial muscular dystrophy, tardive; UDD MYOPATHY; Udd Distal Myopathy – Tibial Muscular Dystrophy. Identifiers: Orphanet 609, MedGen C1838244, MONDO:0010870, OMIM 600334.
Myopathy, myofibrillar, 9, with early respiratory failure (MFM9). Also called: MYOPATHY, PROXIMAL, WITH EARLY RESPIRATORY MUSCLE INVOLVEMENT; Myopathy, distal, with early respiratory failure, autosomal dominant; Hereditary myopathy with early respiratory failure; EDSTROM MYOPATHY. Identifiers: Orphanet 178464, Orphanet 34521, MedGen C1863599, MONDO:0011362, OMIM 603689.
Early-onset myopathy with fatal cardiomyopathy (CMYO5). Also called: CONGENITAL MYOPATHY 5 WITH CARDIOMYOPATHY; Salih Myopathy. Identifiers: Orphanet 289377, MedGen C2673677, MONDO:0012714, OMIM 611705. Disease mechanism: loss of function.
Dilated cardiomyopathy 1G (CMD1G). Identifiers: Orphanet 154, MedGen C1858763, MONDO:0011400, OMIM 604145.
Autosomal recessive limb-girdle muscular dystrophy type 2J (LGMDR10). Also called: Limb-girdle muscular dystrophy, type 2J; MUSCULAR DYSTROPHY, LIMB-GIRDLE, AUTOSOMAL RECESSIVE 10. Identifiers: Orphanet 140922, MedGen C1837342, MONDO:0012127, OMIM 608807.

gnomAD v4.1: 1 of 1,612,098 alleles (0.000062%); highest among the groups gnomAD compares: Non-Finnish European, 0.000085%; no homozygotes.

Submissions (2):

Fulgent Genetics
Classification: Uncertain significance for Tibial muscular dystrophy; Myopathy, myofibrillar, 9, with early respiratory failure; Dilated cardiomyopathy 1G; Autosomal recessive limb-girdle muscular dystrophy type 2J; Early-onset myopathy with fatal cardiomyopathy; Hypertrophic cardiomyopathy 9. Last evaluated: 2021-08-17. Review status: criteria provided, single submitter. Criteria: ACMG Guidelines, 2015. Collection method: clinical testing. Allele origin: unknown.

Laboratory for Molecular Medicine, Mass General Brigham Personalized Medicine
Classification: Uncertain significance. Last evaluated: 2015-02-25. Review status: criteria provided, single submitter. Criteria: LMM Criteria. Collection method: clinical testing. Allele origin: germline. Observed: 4 variant alleles.
Comment: In ad dition, this variant was absent from large population studies. Proline (Pro) at position 9175 is not conserved in mammals or evolutionarily distant species, sug gesting that a change at this position may be tolerated. Additional computationa l prediction tools do not provide strong support for or against an impact to the protein. In summary, the clinical significance of the p.Pro9175Ser variant is u ncertain.